The following is an entry in ClinVar:

NM_001148.6(ANK2):c.11861A>T (p.Asp3954Val)

Gene: ANK2 (ankyrin 2; plus strand). Cytogenetic location: 4q26.
Variant type: single nucleotide variant.
Coding change: c.11861A>T on transcript NM_001148.6 (MANE Select); coding-DNA position 11861, A replaced by T.
Protein change: p.Asp3954Val; replaces aspartic acid 3954 with valine.
Molecular consequence: missense variant.
Genome position (GRCh38, 1-based): chr4:113,381,458, A>T. VCF-style: chr4-113381458-A-T. GRCh37 (hg19) VCF-style: chr4-114302614-A-T.
Other names: c.5579A>T, p.Asp1860Val (NM_001127493.3); c.5801A>T, p.Asp1934Val (NM_001354225.2); c.5783A>T, p.Asp1928Val (NM_001354228.2); c.5768A>T, p.Asp1923Val (NM_001354230.2); c.5741A>T, p.Asp1914Val (NM_001354231.2); c.5735A>T, p.Asp1912Val (NM_001354232.2); c.5696A>T, p.Asp1899Val (NM_001354235.2); c.5687A>T, p.Asp1896Val (NM_001354236.2); and 57 more; short protein forms D1002V, D1057V, D1106V, D1686V, D1771V, D1774V, D1782V, D1822V.
Identifiers: ClinVar variation 3540547 (VCV003540547.1).

ClinVar aggregate classification (germline): Uncertain significance (1 of 4 stars; one submission).

Conditions:
Cardiovascular phenotype. Identifiers: MedGen CN230736.

gnomAD v4.1: 1 of 1,614,162 alleles (0.000062%); highest among the groups gnomAD compares: African/African-American, 0.0013%; no homozygotes.

Submission:

Ambry Genetics
Classification: Uncertain significance for Cardiovascular phenotype. Last evaluated: 2024-11-13. Review status: criteria provided, single submitter. Criteria: Ambry Variant Classification Scheme 2023. Collection method: clinical testing. Allele origin: germline.
Comment: The p.D3954V variant (also known as c.11861A>T), located in coding exon 46 of the ANK2 gene, results from an A to T substitution at nucleotide position 11861. The aspartic acid at codon 3954 is replaced by valine, an amino acid with highly dissimilar properties. This amino acid position is conserved. In addition, this alteration is predicted to be deleterious by in silico analysis. Based on the available evidence, the clinical significance of this variant remains unclear.